The following is an entry in ClinVar:

NM_000257.4(MYH7):c.3373G>T (p.Glu1125Ter)

Gene: MYH7 (myosin heavy chain 7; minus strand). Cytogenetic location: 14q11.2.
Variant type: single nucleotide variant.
Coding change: c.3373G>T on transcript NM_000257.4 (MANE Select); coding-DNA position 3373, G replaced by T.
Protein change: p.Glu1125Ter; replaces glutamic acid 1125 with a stop codon.
Molecular consequence: nonsense.
Genome position (GRCh38, 1-based): chr14:23,420,198, C>A on the plus strand (G>T on the coding strand, the complement: MYH7 is on the minus strand). VCF-style: chr14-23420198-C-A. GRCh37 (hg19) VCF-style: chr14-23889407-C-A.
Other names: c.3373G>T, p.Glu1125Ter (NM_001407004.1); short protein forms E1125*.
Identifiers: ClinVar variation 3387317 (VCV003387317.1).

ClinVar aggregate classification (germline): Uncertain significance (1 of 4 stars; one submission).

Conditions:
Cardiomyopathy (CMYO). Also called: Cardiomyopathies. Identifiers: Orphanet 167848, MedGen C0878544, MONDO:0004994, HP:0001638. Inheritance: Various modes of inheritance.

Submission:

All of Us Research Program, National Institutes of Health
Classification: Uncertain significance for Cardiomyopathy. Last evaluated: 2024-08-06. Review status: criteria provided, single submitter. Criteria: ACMG Guidelines, 2015. Collection method: clinical testing. Allele origin: germline. Inheritance: Autosomal dominant inheritance. Observed: 1 variant allele, 1 heterozygote.
Comment: This study involves interpretation of variants in research participants for the purpose of population health screening. Participant phenotype was not available at the time of variant classification. Additional details can be found in publication PMID: 35346344, PMCID: PMC8962531